The following is an entry in ClinVar:

ClinVar aggregate classification (germline): Uncertain significance (1 of 4 stars; one submission).

Submission:

Labcorp Genetics (formerly Invitae), Labcorp
Classification: Uncertain significance. Last evaluated: 2025-09-14. Review status: criteria provided, single submitter. Criteria: Invitae Variant Classification Sherloc (09022015). Collection method: clinical testing. Allele origin: germline.
Comment: This sequence change replaces glycine, which is neutral and non-polar, with alanine, which is neutral and non-polar, at codon 225 of the MYO7A protein (p.Gly225Ala). This variant is present in population databases (no rsID available, gnomAD 0.003%). This variant has not been reported in the literature in individuals affected with MYO7A-related conditions. Invitae Evidence Modeling of protein sequence and biophysical properties (such as structural, functional, and spatial information, amino acid conservation, physicochemical variation, residue mobility, and thermodynamic stability) has been performed for this missense variant. However, the output from this modeling did not meet the statistical confidence thresholds required to predict the impact of this variant on MYO7A protein function. In summary, the available evidence is currently insufficient to determine the role of this variant in disease. Therefore, it has been classified as a Variant of Uncertain Significance.

NM_000260.4(MYO7A):c.674G>C (p.Gly225Ala)

Gene: MYO7A (myosin VIIA; plus strand). Cytogenetic location: 11q13.5.
Variant type: single nucleotide variant.
Coding change: c.674G>C on transcript NM_000260.4 (MANE Select); coding-DNA position 674, G replaced by C.
Protein change: p.Gly225Ala; replaces glycine 225 with alanine.
Molecular consequence: missense variant.
Genome position (GRCh38, 1-based): chr11:77,156,943, G>C. VCF-style: chr11-77156943-G-C. GRCh37 (hg19) VCF-style: chr11-76867989-G-C.
Other names: c.674G>C, p.Gly225Ala (NM_001127180.2); c.641G>C, p.Gly214Ala (NM_001369365.1); short protein forms G225A, G214A.
Identifiers: ClinVar variation 4694833 (VCV004694833.1).